The following is an entry in ClinVar:

NM_024011.4(CDK11A):c.1698T>C (p.Phe566=)

Gene: CDK11A (cyclin dependent kinase 11A; minus strand). Cytogenetic location: 1p36.33.
Variant type: single nucleotide variant.
Coding change: c.1698T>C on transcript NM_024011.4 (MANE Select); coding-DNA position 1698, T replaced by C.
Protein change: p.Phe566=; no amino-acid change (phenylalanine 566 retained).
Molecular consequence: synonymous variant. On other transcripts: non-coding transcript variant (2).
Genome position (GRCh38, 1-based): chr1:1,704,135, A>G on the plus strand (T>C on the coding strand, the complement: CDK11A is on the minus strand). VCF-style: chr1-1704135-A-G. GRCh37 (hg19) VCF-style: chr1-1635574-A-G.
Other names: c.1707T>C, p.Phe569= (NM_001313896.2); c.1695T>C, p.Phe565= (NM_001313982.2); c.1668T>C, p.Phe556= (NM_033529.4).
Identifiers: ClinVar variation 2638055 (VCV002638055.24), dbSNP rs1136993, ClinGen allele CA530084.

ClinVar aggregate classification (germline): Likely benign (1 of 4 stars; one submission).

Allele frequency attached by ClinVar (database versions not stated): gnomAD 0.00004; 1000 Genomes Project 30x 0.00047; 1000 Genomes Project 0.00100; ExAC 0.00319.

Submission:

CeGaT Center for Human Genetics Tuebingen
Classification: Likely benign. Last evaluated: 2022-11-01. Review status: criteria provided, single submitter. Criteria: CeGaT Center For Human Genetics Tuebingen Variant Classification Criteria Version 2. Collection method: clinical testing. Allele origin: germline. Affected: yes. Observed: 1 variant allele.
Comment: CDK11A: BP4, BP7